The following is an entry in ClinVar:

ClinVar aggregate classification (germline): Pathogenic (1 of 4 stars; one submission).

Conditions:
Choanal atresia-athelia-hypothyroidism-delayed puberty-short stature syndrome (BCAHH). Also called: BRANCHIAL ARCH ABNORMALITIES, CHOANAL ATRESIA, ATHELIA, HEARING LOSS, AND HYPOTHYROIDISM SYNDROME. Identifiers: Orphanet 589856, MedGen C5680310, MONDO:0035651, OMIM 620186.
Kabuki syndrome 1 (KABUK1). Also called: KMT2D-Related Kabuki Syndrome. Identifiers: Orphanet 2322, MedGen CN030661, MONDO:0007843, OMIM 147920.

Submission:

New York Genome Center
Classification: Pathogenic for Kabuki syndrome 1; Choanal atresia-athelia-hypothyroidism-delayed puberty-short stature syndrome. Last evaluated: 2023-12-11. Review status: criteria provided, single submitter. Criteria: NYGC Assertion Criteria 2020. Collection method: clinical testing. Allele origin: de novo. Affected: yes. Observed: 1 variant allele, 1 heterozygote.
Comment: The c.763del variant in KMT2D has not previously been reported in the literature or public variant repositories (ClinVar and LOVD) and is absent from populationdatabases (gnomAD v2.1.1, v3.1.2, and v4.0; TOPMed Freeze 8 and Freeze 10; All of Us), suggesting it is not a common benign variant in the populations representedin those databases. The c.763del variant in KMT2D is located in exon 6 of this 54-exon gene, predicted to cause a shift in the open reading frame and incorporate apremature termination codon (p.(Cys255AlafsTer6)), and is expected to result in loss-of-function via nonsense mediated decay. Multiple loss-of-function variants thatare upstream to the c.763del variant have been reported in the literature [PMID: 32596782] in individuals with Kabuki syndrome 1. Based on available evidence, this apparently de novo heterozygous c.763del p.(Cys255AlafsTer6) variant identified in KMT2D is classified as Pathogenic.

NM_003482.4(KMT2D):c.763del (p.Cys255fs)

Gene: KMT2D (lysine methyltransferase 2D; minus strand). Cytogenetic location: 12q13.12.
Variant type: Deletion.
Coding change: c.763del on transcript NM_003482.4 (MANE Select); coding-DNA position 763, one base deleted (T; older notation c.763delT).
Protein change: p.Cys255fs; shifts the reading frame from cysteine 255.
Molecular consequence: frameshift variant.
Genome position (GRCh38, 1-based): chr12:49,053,552, A deleted on the plus strand (T on the coding strand, the reverse complement: KMT2D is on the minus strand). VCF-style (leftmost placement, unchanged base first): chr12-49053551-CA-C. GRCh37 (hg19) VCF-style: chr12-49447334-CA-C.
Other names: c.763delT, p.Cys255Alafs (NM_003482.3); c.763del (NM_003482.3); short protein forms C255fs.
Identifiers: ClinVar variation 4888328 (VCV004888328.1).